The following is an entry in ClinVar:

NM_001376.5(DYNC1H1):c.4542+89T>C

Gene: DYNC1H1 (dynein cytoplasmic 1 heavy chain 1; plus strand). Cytogenetic location: 14q32.31.
Variant type: single nucleotide variant.
Coding change: c.4542+89T>C on transcript NM_001376.5 (MANE Select); 89 bases into the intron after coding-DNA position 4542, T replaced by C.
Molecular consequence: intron variant.
Genome position (GRCh38, 1-based): chr14:102,001,770, T>C. VCF-style: chr14-102001770-T-C. GRCh37 (hg19) VCF-style: chr14-102468107-T-C.
Identifiers: ClinVar variation 678359 (VCV000678359.2), dbSNP rs139425124, ClinGen allele CA266995032.
Genomic context (GRCh38, chr14:102,001,770, plus strand): 5'-CCACCAGTGGTCTCCCACGCTTTCACTGTAATGCCTTTTCACTGACAGTTACTAGGTACC[T>C]GTTTTTTATTGTATTTTTTGAGACAGGGTCTCACTCTGTCTCCCACGCTGGAGTGCAGTG-3'

ClinVar aggregate classification (germline): Likely benign. Review status: criteria provided, multiple submitters, no conflicts (2 of 4 stars). 2 submissions from 2 submitters: Likely benign (2). Last evaluated 2018-06-16.

Allele frequency attached by ClinVar (database versions not stated): gnomAD exomes 0.00060; 1000 Genomes Project 0.00619; gnomAD 0.00650; TOPMed 0.00689; 1000 Genomes Project 30x 0.00703.
gnomAD v4.1: 1,763 of 1,560,262 alleles (0.11%); highest among the groups gnomAD compares: African/African-American, 2.1%; 20 homozygotes.

Submissions (2):

GeneDx
Classification: Likely benign. Last evaluated: 2018-06-16. Review status: criteria provided, single submitter. Criteria: GeneDx Variant Classification (06012015). Collection method: clinical testing. Allele origin: germline. Affected: yes.
Comment: This variant is considered likely benign or benign based on one or more of the following criteria: it is a conservative change, it occurs at a poorly conserved position in the protein, it is predicted to be benign by multiple in silico algorithms, and/or has population frequency not consistent with disease.

Breakthrough Genomics
Classification: Likely benign. Review status: criteria provided, single submitter. Criteria: ACMG Guidelines, 2015. Collection method: not provided. Allele origin: germline. Inheritance: Autosomal dominant inheritance. Affected: yes.